The following is an entry in ClinVar:

NM_002907.4(RECQL):c.1316A>G (p.Lys439Arg)

Gene: RECQL (RecQ like helicase; minus strand). Cytogenetic location: 12p12.1.
Variant type: single nucleotide variant.
Coding change: c.1316A>G on transcript NM_002907.4 (MANE Select); coding-DNA position 1316, A replaced by G.
Protein change: p.Lys439Arg; replaces lysine 439 with arginine.
Molecular consequence: missense variant.
Genome position (GRCh38, 1-based): chr12:21,474,880, T>C on the plus strand (A>G on the coding strand, the complement: RECQL is on the minus strand). VCF-style: chr12-21474880-T-C. GRCh37 (hg19) VCF-style: chr12-21627814-T-C.
Other names: c.1316A>G, p.Lys439Arg (NM_032941.3); short protein forms K439R.
Identifiers: ClinVar variation 3152833 (VCV003152833.2), dbSNP rs2540340593, ClinGen allele CA384118309.

ClinVar aggregate classification (germline): Uncertain significance (1 of 4 stars; one submission).

Submission:

Ambry Genetics
Classification: Uncertain significance. Last evaluated: 2025-02-08. Review status: criteria provided, single submitter. Criteria: Ambry Variant Classification Scheme 2023. Collection method: clinical testing. Allele origin: germline.
Comment: The p.K439R variant (also known as c.1316A>G), located in coding exon 10 of the RECQL gene, results from an A to G substitution at nucleotide position 1316. The lysine at codon 439 is replaced by arginine, an amino acid with highly similar properties. This amino acid position is conserved. In addition, this alteration is predicted to be tolerated by in silico analysis. Based on the available evidence, the clinical significance of this variant remains unclear.